The following is an entry in ClinVar:

NM_018117.12(WDR11):c.3262G>A (p.Glu1088Lys)

Gene: WDR11 (WD repeat domain 11; plus strand). Cytogenetic location: 10q26.12.
Variant type: single nucleotide variant.
Coding change: c.3262G>A on transcript NM_018117.12 (MANE Select); coding-DNA position 3262, G replaced by A.
Protein change: p.Glu1088Lys; replaces glutamic acid 1088 with lysine.
Molecular consequence: missense variant.
Genome position (GRCh38, 1-based): chr10:120,905,387, G>A. VCF-style: chr10-120905387-G-A. GRCh37 (hg19) VCF-style: chr10-122664899-G-A.
Other names: c.3262G>A (NM_018117.11); short protein forms E1088K.
Identifiers: ClinVar variation 1464493 (VCV001464493.7), dbSNP rs143689717, ClinGen allele CA5720262.
Genomic context (GRCh38, chr10:120,905,387, plus strand): 5'-CAGTTGCTCTGCCTGATAGATAAGGCTGCAGACGCCTGCCGCTACCTGCAGACATACGGC[G>A]AGTGGAATCGGGCTGCATGGCTGGCAAAAGTAGGTGGTTCCAAGTTTCAATAGGTGCCCT-3'
Protein context (NP_060587.8, residues 1078-1098): DACRYLQTYG[Glu1088Lys]WNRAAWLAKV

ClinVar aggregate classification (germline): Uncertain significance. Review status: criteria provided, multiple submitters, no conflicts (2 of 4 stars). 2 submissions from 2 submitters: Uncertain significance (2). Last evaluated 2025-12-23.

Conditions:
Inborn genetic diseases. Identifiers: MedGen C0950123, MeSH D030342.

Allele frequency attached by ClinVar (database versions not stated): gnomAD 0.00003 and 0.00004; TOPMed 0.00005; ESP Exome Variant Server 0.00008.
gnomAD v4.1: 45 of 1,614,042 alleles (0.0028%); highest among the groups gnomAD compares: Admixed American, 0.0067%; no homozygotes.

Submissions (2):

Labcorp Genetics (formerly Invitae), Labcorp
Classification: Uncertain significance. Last evaluated: 2025-12-23. Review status: criteria provided, single submitter. Criteria: Invitae Variant Classification Sherloc (09022015). Collection method: clinical testing. Allele origin: germline.
Comment: This sequence change replaces glutamic acid, which is acidic and polar, with lysine, which is basic and polar, at codon 1088 of the WDR11 protein (p.Glu1088Lys). This variant is present in population databases (rs143689717, gnomAD 0.01%). This variant has not been reported in the literature in individuals affected with WDR11-related conditions. ClinVar contains an entry for this variant (Variation ID: 1464493). An algorithm developed to predict the effect of missense changes on protein structure and function (PolyPhen-2) suggests that this variant is likely to be tolerated. In summary, the available evidence is currently insufficient to determine the role of this variant in disease. Therefore, it has been classified as a Variant of Uncertain Significance.

Ambry Genetics
Classification: Uncertain significance for Inborn genetic diseases. Last evaluated: 2022-01-05. Review status: criteria provided, single submitter. Criteria: Ambry Variant Classification Scheme 2023. Collection method: clinical testing. Allele origin: germline.